The following is an entry in ClinVar:

NM_001039348.3(EFEMP1):c.1177A>G (p.Ile393Val)

Gene: EFEMP1 (EGF-like fibulin extracellular matrix protein 1; minus strand). Cytogenetic location: 2p16.1.
Variant type: single nucleotide variant.
Coding change: c.1177A>G on transcript NM_001039348.3 (MANE Select); coding-DNA position 1177, A replaced by G.
Protein change: p.Ile393Val; replaces isoleucine 393 with valine.
Molecular consequence: missense variant.
Genome position (GRCh38, 1-based): chr2:55,870,863, T>C on the plus strand (A>G on the coding strand, the complement: EFEMP1 is on the minus strand). VCF-style: chr2-55870863-T-C. GRCh37 (hg19) VCF-style: chr2-56097998-T-C.
Other names: c.1177A>G, p.Ile393Val (NM_001039349.3); short protein forms I393V.
Identifiers: ClinVar variation 2802802 (VCV002802802.3), dbSNP rs2465732015, ClinGen allele CA347028125.

ClinVar aggregate classification (germline): Uncertain significance (1 of 4 stars; one submission).

Allele frequency attached by ClinVar (database versions not stated): gnomAD exomes below 0.00001.
gnomAD v4.1: 1 of 1,613,798 alleles (0.000062%); highest among the groups gnomAD compares: African/African-American, 0.0013%; no homozygotes.

Submission:

Labcorp Genetics (formerly Invitae), Labcorp
Classification: Uncertain significance. Last evaluated: 2023-03-11. Review status: criteria provided, single submitter. Criteria: Invitae Variant Classification Sherloc (09022015). Collection method: clinical testing. Allele origin: germline.
Comment: This sequence change replaces isoleucine, which is neutral and non-polar, with valine, which is neutral and non-polar, at codon 393 of the EFEMP1 protein (p.Ile393Val). This variant is not present in population databases (gnomAD no frequency). This variant has not been reported in the literature in individuals affected with EFEMP1-related conditions. Advanced modeling of protein sequence and biophysical properties (such as structural, functional, and spatial information, amino acid conservation, physicochemical variation, residue mobility, and thermodynamic stability) performed at Invitae indicates that this missense variant is not expected to disrupt EFEMP1 protein function. In summary, the available evidence is currently insufficient to determine the role of this variant in disease. Therefore, it has been classified as a Variant of Uncertain Significance.